The following is an entry in ClinVar:

NM_024408.4(NOTCH2):c.5904G>T (p.Ala1968=)

Gene: NOTCH2 (notch receptor 2; minus strand). Cytogenetic location: 1p12.
Variant type: single nucleotide variant.
Coding change: c.5904G>T on transcript NM_024408.4 (MANE Select); coding-DNA position 5904, G replaced by T.
Protein change: p.Ala1968=; no amino-acid change (alanine 1968 retained).
Molecular consequence: synonymous variant.
Genome position (GRCh38, 1-based): chr1:119,918,431, C>A on the plus strand (G>T on the coding strand, the complement: NOTCH2 is on the minus strand). VCF-style: chr1-119918431-C-A. GRCh37 (hg19) VCF-style: chr1-120461054-C-A.
Other names: c.5904G>T (NM_024408.3).
Identifiers: ClinVar variation 1626777 (VCV001626777.9), dbSNP rs149442704, ClinGen allele CA30314662.

ClinVar aggregate classification (germline): Likely benign. Review status: criteria provided, multiple submitters, no conflicts (2 of 4 stars). 2 submissions from 2 submitters: Likely benign (2). Last evaluated 2025-06-25.

Conditions:
NOTCH2-related disorder. Also called: NOTCH2-related condition.
Hajdu-Cheney syndrome (HJCYS). Also called: SERPENTINE FIBULA-POLYCYSTIC KIDNEY SYNDROME; Acroosteolysis dominant type; ACROOSTEOLYSIS WITH OSTEOPOROSIS AND CHANGES IN SKULL AND MANDIBLE. Identifiers: Orphanet 955, MedGen C0917715, MONDO:0007057, OMIM 102500.

Submissions (2):

PreventionGenetics, part of Exact Sciences
Classification: Likely benign for NOTCH2-related condition. Last evaluated: 2025-06-25. Review status: criteria provided, single submitter. Criteria: ACMG Guidelines, 2015. Collection method: clinical testing. Allele origin: germline.
Comment: This variant is classified as likely benign based on ACMG/AMP sequence variant interpretation guidelines (Richards et al. 2015 PMID: 25741868, with internal and published modifications).

Labcorp Genetics (formerly Invitae), Labcorp
Classification: Likely benign for Hajdu-Cheney syndrome. Last evaluated: 2024-07-29. Review status: criteria provided, single submitter. Criteria: Invitae Variant Classification Sherloc (09022015). Collection method: clinical testing. Allele origin: germline.